The following is an entry in ClinVar:

ClinVar aggregate classification (germline): Uncertain significance (1 of 4 stars; one submission).

Allele frequency attached by ClinVar (database versions not stated): gnomAD 0.00004; gnomAD exomes 0.00004; TOPMed 0.00006; ExAC 0.00007; ESP Exome Variant Server 0.00023.
gnomAD v4.1: 61 of 1,613,988 alleles (0.0038%); highest among the groups gnomAD compares: African/African-American, 0.0053%; no homozygotes.

Submission:

Labcorp Genetics (formerly Invitae), Labcorp
Classification: Uncertain significance. Last evaluated: 2024-11-11. Review status: criteria provided, single submitter. Criteria: Invitae Variant Classification Sherloc (09022015). Collection method: clinical testing. Allele origin: germline.
Comment: This sequence change replaces arginine, which is basic and polar, with glutamine, which is neutral and polar, at codon 1010 of the DLC1 protein (p.Arg1010Gln). This variant is present in population databases (rs201145872, gnomAD 0.03%). This variant has not been reported in the literature in individuals affected with DLC1-related conditions. ClinVar contains an entry for this variant (Variation ID: 2865888). An algorithm developed to predict the effect of missense changes on protein structure and function (PolyPhen-2) suggests that this variant is likely to be tolerated. In summary, the available evidence is currently insufficient to determine the role of this variant in disease. Therefore, it has been classified as a Variant of Uncertain Significance.

NM_182643.3(DLC1):c.3029G>A (p.Arg1010Gln)

Gene: DLC1 (DLC1 Rho GTPase activating protein; minus strand). Cytogenetic location: 8p22.
Variant type: single nucleotide variant.
Coding change: c.3029G>A on transcript NM_182643.3 (MANE Select); coding-DNA position 3029, G replaced by A.
Protein change: p.Arg1010Gln; replaces arginine 1010 with glutamine.
Molecular consequence: missense variant.
Genome position (GRCh38, 1-based): chr8:13,098,537, C>T on the plus strand (G>A on the coding strand, the complement: DLC1 is on the minus strand). VCF-style: chr8-13098537-C-T. GRCh37 (hg19) VCF-style: chr8-12956046-C-T.
Other names: c.1496G>A, p.Arg499Gln (NM_001164271.2, NM_001348082.2, NM_001348083.1 and 6 more transcripts); c.1820G>A, p.Arg607Gln (NM_001316668.2, NM_001413129.1); c.3029G>A, p.Arg1010Gln (NM_001348081.2, NM_001413124.1); c.1811G>A, p.Arg604Gln (NM_001413130.1); c.1469G>A, p.Arg490Gln (NM_001413131.1, NM_001413137.1); c.1955G>A, p.Arg652Gln (NM_001413132.1); c.1718G>A, p.Arg573Gln (NM_001413135.1, NM_001413136.1, NM_001413139.1 and 1 more transcripts); c.1853G>A, p.Arg618Gln (NM_001413140.1); short protein forms R1010Q, R490Q, R604Q, R607Q, R573Q, R618Q, R499Q, R652Q.
Identifiers: ClinVar variation 2865888 (VCV002865888.3), dbSNP rs201145872, ClinGen allele CA4638462.